The following is an entry in ClinVar:

NM_006000.3(TUBA4A):c.183C>T (p.His61=)

Gene: TUBA4A (tubulin alpha 4a; minus strand). Cytogenetic location: 2q35.
Variant type: single nucleotide variant.
Coding change: c.183C>T on transcript NM_006000.3 (MANE Select); coding-DNA position 183, C replaced by T.
Protein change: p.His61=; no amino-acid change (histidine 61 retained).
Molecular consequence: synonymous variant.
Genome position (GRCh38, 1-based): chr2:219,252,051, G>A on the plus strand (C>T on the coding strand, the complement: TUBA4A is on the minus strand). VCF-style: chr2-219252051-G-A. GRCh37 (hg19) VCF-style: chr2-220116773-G-A.
Other names: c.138C>T, p.His46= (NM_001278552.2).
Identifiers: ClinVar variation 3031194 (VCV003031194.2), dbSNP rs376398028, ClinGen allele CA2122527.
Genomic context (GRCh38, chr2:219,252,051, plus strand): 5'-TCCCCACTTCCTCTCACCAATGACCGTAGGCTCCAGATCCACAAAAACTGCCCGGGGTAC[G>A]TGTTTTCCAGCACCAGTTTCACAGAAGAAGGTGGTGAAGGAGTCGTCCCCTCCACCAATG-3'
Protein context (NP_005991.1, residues 51-71): TFFCETGAGK[His61=]VPRAVFVDLE

ClinVar aggregate classification (germline): Likely benign (0 of 4 stars; one submission).

Conditions:
TUBA4A-related disorder. Also called: TUBA4A-related condition.

Allele frequency attached by ClinVar (database versions not stated): gnomAD exomes 0.00001; ExAC 0.00002; gnomAD 0.00002; TOPMed 0.00002; ESP Exome Variant Server 0.00015.
gnomAD v4.1: 18 of 1,614,052 alleles (0.0011%); highest among the groups gnomAD compares: African/African-American, 0.004%; no homozygotes.

Submission:

PreventionGenetics, part of Exact Sciences
Classification: Likely benign for TUBA4A-related condition. Last evaluated: 2024-02-14. Review status: no assertion criteria provided. Collection method: clinical testing. Allele origin: germline.
Comment: This variant is classified as likely benign based on ACMG/AMP sequence variant interpretation guidelines (Richards et al. 2015 PMID: 25741868, with internal and published modifications).